The following is an entry in ClinVar:

NM_000051.4(ATM):c.1538A>T (p.Gln513Leu)

Gene: ATM (ATM serine/threonine kinase; plus strand). Cytogenetic location: 11q22.3.
Variant type: single nucleotide variant.
Coding change: c.1538A>T on transcript NM_000051.4 (MANE Select); coding-DNA position 1538, A replaced by T.
Protein change: p.Gln513Leu; replaces glutamine 513 with leucine.
Molecular consequence: missense variant.
Genome position (GRCh38, 1-based): chr11:108,251,003, A>T. VCF-style: chr11-108251003-A-T. GRCh37 (hg19) VCF-style: chr11-108121730-A-T.
Other names: c.1538A>T, p.Gln513Leu (NM_001351834.2); short protein forms Q513L.
Identifiers: ClinVar variation 524274 (VCV000524274.11), dbSNP rs753109010, ClinGen allele CA228391135.

ClinVar aggregate classification (germline): Uncertain significance. Review status: criteria provided, multiple submitters, no conflicts (2 of 4 stars). 2 submissions from 2 submitters: Uncertain significance (2). Last evaluated 2020-05-20.

Conditions:
Ataxia-telangiectasia syndrome (AT). Also called: ATAXIA-TELANGIECTASIA, COMPLEMENTATION GROUP A; ATAXIA-TELANGIECTASIA, FRESNO VARIANT; Ataxia-telangiectasia; Ataxia-telangiectasia, complementation group D; AT, COMPLEMENTATION GROUP C; Ataxia-telangiectasia, complementation group E. Identifiers: Orphanet 100, MedGen C0004135, MONDO:0008840, OMIM 208900.
Hereditary cancer-predisposing syndrome. Also called: Neoplastic Syndromes, Hereditary; Tumor predisposition; Hereditary Cancer Syndrome; Hereditary neoplastic syndrome. Identifiers: Orphanet 140162, MedGen C0027672, MeSH D009386, MONDO:0015356.

Submissions (2):

Ambry Genetics
Classification: Uncertain significance for Hereditary cancer-predisposing syndrome. Last evaluated: 2020-05-20. Review status: criteria provided, single submitter. Criteria: Ambry Variant Classification Scheme 2023. Collection method: clinical testing. Allele origin: germline.
Comment: The p.Q513L variant (also known as c.1538A>T), located in coding exon 9 of the ATM gene, results from an A to T substitution at nucleotide position 1538. The glutamine at codon 513 is replaced by leucine, an amino acid with dissimilar properties. This amino acid position is not well conserved in available vertebrate species. In addition, this alteration is predicted to be tolerated by in silico analysis. Since supporting evidence is limited at this time, the clinical significance of this alteration remains unclear.

Labcorp Genetics (formerly Invitae), Labcorp
Classification: Uncertain significance for Ataxia-telangiectasia syndrome. Last evaluated: 2017-12-05. Review status: criteria provided, single submitter. Criteria: Invitae Variant Classification Sherloc (09022015). Collection method: clinical testing. Allele origin: germline.
Comment: In summary, the available evidence is currently insufficient to determine the role of this variant in disease. Therefore, it has been classified as a Variant of Uncertain Significance. Algorithms developed to predict the effect of missense changes on protein structure and function (SIFT, PolyPhen-2, Align-GVGD) all suggest that this variant is likely to be disruptive, but these predictions have not been confirmed by published functional studies and their clinical significance is uncertain. This variant has not been reported in the literature in individuals with ATM-related disease. This variant is not present in population databases (ExAC no frequency). This sequence change replaces glutamine with leucine at codon 513 of the ATM protein (p.Gln513Leu). The glutamine residue is highly conserved and there is a moderate physicochemical difference between glutamine and leucine.